The following is an entry in ClinVar:

NM_006939.4(SOS2):c.3002A>G (p.Lys1001Arg)

Gene: SOS2 (SOS Ras/Rho guanine nucleotide exchange factor 2; minus strand). Cytogenetic location: 14q21.3.
Variant type: single nucleotide variant.
Coding change: c.3002A>G on transcript NM_006939.4 (MANE Select); coding-DNA position 3002, A replaced by G.
Protein change: p.Lys1001Arg; replaces lysine 1001 with arginine.
Molecular consequence: missense variant.
Genome position (GRCh38, 1-based): chr14:50,134,196, T>C on the plus strand (A>G on the coding strand, the complement: SOS2 is on the minus strand). VCF-style: chr14-50134196-T-C. GRCh37 (hg19) VCF-style: chr14-50600914-T-C.
Other names: c.2903A>G, p.Lys968Arg (NM_001411020.1); short protein forms K1001R, K968R.
Identifiers: ClinVar variation 2958292 (VCV002958292.3), dbSNP rs2502850833, ClinGen allele CA389641795.

ClinVar aggregate classification (germline): Uncertain significance (1 of 4 stars; one submission).

Conditions:
Noonan syndrome 9 (NS9). Identifiers: Orphanet 648, MedGen C4225282, MONDO:0014691, OMIM 616559.

Allele frequency attached by ClinVar (database versions not stated): gnomAD exomes 0.00001.
gnomAD v4.1: 3 of 1,608,996 alleles (0.00019%); highest among the groups gnomAD compares: South Asian, 0.0033%; no homozygotes.

Submission:

Labcorp Genetics (formerly Invitae), Labcorp
Classification: Uncertain significance for Noonan syndrome 9. Last evaluated: 2023-08-16. Review status: criteria provided, single submitter. Criteria: Invitae Variant Classification Sherloc (09022015). Collection method: clinical testing. Allele origin: germline.
Comment: Advanced modeling of protein sequence and biophysical properties (such as structural, functional, and spatial information, amino acid conservation, physicochemical variation, residue mobility, and thermodynamic stability) performed at Invitae indicates that this missense variant is not expected to disrupt SOS2 protein function. In summary, the available evidence is currently insufficient to determine the role of this variant in disease. Therefore, it has been classified as a Variant of Uncertain Significance. This variant has not been reported in the literature in individuals affected with SOS2-related conditions. This variant is not present in population databases (gnomAD no frequency). This sequence change replaces lysine, which is basic and polar, with arginine, which is basic and polar, at codon 1001 of the SOS2 protein (p.Lys1001Arg).